The following is an entry in ClinVar:

NM_001184.4(ATR):c.341C>T (p.Pro114Leu)

Gene: ATR (ATR serine/threonine kinase; minus strand). Cytogenetic location: 3q23.
Variant type: single nucleotide variant.
Coding change: c.341C>T on transcript NM_001184.4 (MANE Select); coding-DNA position 341, C replaced by T.
Protein change: p.Pro114Leu; replaces proline 114 with leucine.
Molecular consequence: missense variant.
Genome position (GRCh38, 1-based): chr3:142,563,061, G>A on the plus strand (C>T on the coding strand, the complement: ATR is on the minus strand). VCF-style: chr3-142563061-G-A. GRCh37 (hg19) VCF-style: chr3-142281903-G-A.
Other names: c.341C>T, p.Pro114Leu (NM_001354579.2); short protein forms P114L.
Identifiers: ClinVar variation 3330646 (VCV003330646.1).

ClinVar aggregate classification (germline): Uncertain significance (1 of 4 stars; one submission).

Conditions:
Inborn genetic diseases. Identifiers: MedGen C0950123, MeSH D030342.

gnomAD v4.1: 1 of 1,600,544 alleles (0.000062%); highest among the groups gnomAD compares: Non-Finnish European, 0.000085%; no homozygotes.

Submission:

Ambry Genetics
Classification: Uncertain significance for Inborn genetic diseases. Last evaluated: 2024-04-16. Review status: criteria provided, single submitter. Criteria: Ambry Variant Classification Scheme 2023. Collection method: clinical testing. Allele origin: germline.
Comment: The p.P114L variant (also known as c.341C>T), located in coding exon 4 of the ATR gene, results from a C to T substitution at nucleotide position 341. The proline at codon 114 is replaced by leucine, an amino acid with similar properties. This amino acid position is conserved. In addition, the in silico prediction for this alteration is inconclusive. Based on the available evidence, the clinical significance of this variant remains unclear.